The following is an entry in ClinVar:

ClinVar aggregate classification (germline): Likely benign. Review status: criteria provided, multiple submitters, no conflicts (2 of 4 stars). 3 submissions from 3 submitters: Likely benign (2). 1 of the submissions does not count toward it. Last evaluated 2026-09-01.

Conditions:
CHD3-related disorder. Also called: CHD3-related condition.

Allele frequency attached by ClinVar (database versions not stated): ESP Exome Variant Server 0.00062; TOPMed 0.00083; 1000 Genomes Project 30x 0.00016; 1000 Genomes Project 0.00020; ExAC 0.00090; gnomAD 0.00092; gnomAD exomes 0.00142.
gnomAD v4.1: 2,187 of 1,614,050 alleles (0.14%); highest among the groups gnomAD compares: Non-Finnish European, 0.17%; 4 homozygotes.

Submissions (3):

CeGaT Center for Human Genetics Tuebingen
Classification: Likely benign. Last evaluated: 2026-09-01. Review status: criteria provided, single submitter. Criteria: CeGaT Center For Human Genetics Tuebingen Variant Classification Criteria Version 2. Collection method: clinical testing. Allele origin: germline. Affected: yes. Observed: 7 variant alleles.
Comment: CHD3: BP4, BP7, BS1

Blueprint Genetics
Classification: Likely benign. Last evaluated: 2024-10-24. Review status: criteria provided, single submitter. Criteria: ACMG Guidelines, 2015. Collection method: clinical testing. Allele origin: germline.

PreventionGenetics, part of Exact Sciences
Classification: Likely benign for CHD3-related condition. Last evaluated: 2019-05-15. Review status: no assertion criteria provided. Collection method: clinical testing. Allele origin: germline. Not counted in ClinVar's aggregate classification.
Comment: This variant is classified as likely benign based on ACMG/AMP sequence variant interpretation guidelines (Richards et al. 2015 PMID: 25741868, with internal and published modifications).

NM_001005273.3(CHD3):c.2085C>A (p.Pro695=)

Gene: CHD3 (chromodomain helicase DNA binding protein 3; plus strand). Cytogenetic location: 17p13.1.
Variant type: single nucleotide variant.
Coding change: c.2085C>A on transcript NM_001005273.3 (MANE Select); coding-DNA position 2085, C replaced by A.
Protein change: p.Pro695=; no amino-acid change (proline 695 retained).
Molecular consequence: synonymous variant.
Genome position (GRCh38, 1-based): chr17:7,898,529, C>A. VCF-style: chr17-7898529-C-A. GRCh37 (hg19) VCF-style: chr17-7801847-C-A.
Other names: c.2262C>A, p.Pro754= (NM_001005271.3); c.2085C>A, p.Pro695= (NM_005852.4); c.2262C>A (NM_001005271.2).
Identifiers: ClinVar variation 2647428 (VCV002647428.26), dbSNP rs34941534, ClinGen allele CA8362807.